The following is an entry in ClinVar:

ClinVar aggregate classification (germline): Uncertain significance (1 of 4 stars; one submission).

Conditions:
Retinitis pigmentosa 59 (RP59). Identifiers: Orphanet 791, MedGen C3151227, MONDO:0013468, OMIM 613861.

gnomAD v4.1: 2 of 1,614,048 alleles (0.00012%); highest among the groups gnomAD compares: Non-Finnish European, 0.000085%; no homozygotes.

Submission:

Labcorp Genetics (formerly Invitae), Labcorp
Classification: Uncertain significance for Retinitis pigmentosa 59. Last evaluated: 2022-08-23. Review status: criteria provided, single submitter. Criteria: Invitae Variant Classification Sherloc (09022015). Collection method: clinical testing. Allele origin: germline.
Comment: This sequence change replaces tryptophan, which is neutral and slightly polar, with cysteine, which is neutral and slightly polar, at codon 171 of the DHDDS protein (p.Trp171Cys). This variant is not present in population databases (gnomAD no frequency). This variant has not been reported in the literature in individuals affected with DHDDS-related conditions. Algorithms developed to predict the effect of missense changes on protein structure and function are either unavailable or do not agree on the potential impact of this missense change (SIFT: "Deleterious"; PolyPhen-2: "Possibly Damaging"; Align-GVGD: "Class C15"). In summary, the available evidence is currently insufficient to determine the role of this variant in disease. Therefore, it has been classified as a Variant of Uncertain Significance.

NM_205861.3(DHDDS):c.513G>C (p.Trp171Cys)

Gene: DHDDS (dehydrodolichyl diphosphate synthase subunit; plus strand). Cytogenetic location: 1p36.11.
Variant type: single nucleotide variant.
Coding change: c.513G>C on transcript NM_205861.3 (MANE Select); coding-DNA position 513, G replaced by C.
Protein change: p.Trp171Cys; replaces tryptophan 171 with cysteine.
Molecular consequence: missense variant. On other transcripts: intron variant (1).
Genome position (GRCh38, 1-based): chr1:26,447,631, G>C. VCF-style: chr1-26447631-G-C. GRCh37 (hg19) VCF-style: chr1-26774122-G-C.
Other names: c.396G>C, p.Trp132Cys (NM_001243565.2); c.234G>C, p.Trp78Cys (NM_001319959.2); c.513G>C, p.Trp171Cys (NM_024887.4); c.440+1199G>C (NM_001243564.2); short protein forms W171C, W78C, W132C.
Identifiers: ClinVar variation 1955168 (VCV001955168.2), dbSNP rs2075282065, ClinGen allele CA339143388.
Genomic context (GRCh38, chr1:26,447,631, plus strand): 5'-TGTCTGTTTTGCATACACATCCCGTCATGAGATCAGCAATGCTGTGAGAGAGATGGCCTG[G>C]GGGGTGGAGCAAGGCCTGTTGGATCCCAGGTATCCCGAGTTGTTTTGCATGGTAATTGTT-3'
Protein context (NP_995583.1, residues 161-181): EISNAVREMA[Trp171Cys]GVEQGLLDPS